The following is an entry in ClinVar:

ClinVar aggregate classification (germline): Uncertain significance (1 of 4 stars; one submission).

Conditions:
Glucose-6-phosphate transport defect (GSD1B). Also called: Glycogen Storage Disease Type Ib; GSD Ib. Identifiers: Orphanet 364, Orphanet 79259, MedGen C0268146, MONDO:0009288, OMIM 232220.

Submission:

Labcorp Genetics (formerly Invitae), Labcorp
Classification: Uncertain significance for Glucose-6-phosphate transport defect. Last evaluated: 2024-10-12. Review status: criteria provided, single submitter. Criteria: Invitae Variant Classification Sherloc (09022015). Collection method: clinical testing. Allele origin: germline.
Comment: This sequence change replaces valine, which is neutral and non-polar, with leucine, which is neutral and non-polar, at codon 261 of the SLC37A4 protein (p.Val261Leu). This variant is not present in population databases (gnomAD no frequency). This variant has not been reported in the literature in individuals affected with SLC37A4-related conditions. Invitae Evidence Modeling of protein sequence and biophysical properties (such as structural, functional, and spatial information, amino acid conservation, physicochemical variation, residue mobility, and thermodynamic stability) indicates that this missense variant is not expected to disrupt SLC37A4 protein function with a negative predictive value of 80%. In summary, the available evidence is currently insufficient to determine the role of this variant in disease. Therefore, it has been classified as a Variant of Uncertain Significance.

NM_001164277.2(SLC37A4):c.781G>C (p.Val261Leu)

Gene: SLC37A4 (solute carrier family 37 member 4; minus strand). Cytogenetic location: 11q23.3.
Variant type: single nucleotide variant.
Coding change: c.781G>C on transcript NM_001164277.2 (MANE Select); coding-DNA position 781, G replaced by C.
Protein change: p.Val261Leu; replaces valine 261 with leucine.
Molecular consequence: missense variant.
Genome position (GRCh38, 1-based): chr11:119,026,940, C>G on the plus strand (G>C on the coding strand, the complement: SLC37A4 is on the minus strand). VCF-style: chr11-119026940-C-G. GRCh37 (hg19) VCF-style: chr11-118897650-C-G.
Other names: c.781G>C, p.Val261Leu (NM_001164278.2, NM_001164280.2, NM_001467.6); c.562G>C, p.Val188Leu (NM_001164279.2); short protein forms V261L, V188L.
Identifiers: ClinVar variation 3666635 (VCV003666635.2).
Genomic context (GRCh38, chr11:119,026,940, plus strand): 5'-ATCCCCTGCATTGGTTCCTGCTCCTTATGCCCACCCTTGTCCCCATGCTCATCTTACCTA[C>G]AAGGGCTGACTGTCCTTTCTCCTGGATAAGGAAGAACTGGCCCCAGTCAGTACAGCAGGT-3'
Protein context (NP_001157749.1, residues 251-271): LIQEKGQSAL[Val261Leu]GSSYMSALEV